The following is an entry in ClinVar:

ClinVar aggregate classification (germline): Pathogenic. Review status: criteria provided, multiple submitters, no conflicts (2 of 4 stars). 2 submissions from 2 submitters: Pathogenic (2). Last evaluated 2026-01-06.

Conditions:
Retinoblastoma (RB1). Also called: RETINOBLASTOMA, SOMATIC. Identifiers: Orphanet 790, MedGen C0035335, MeSH D012175, MONDO:0008380, OMIM 180200, HP:0009919. Disease mechanism: loss of function. Inheritance: Both sporadic and heritable forms are tested..

Submissions (2):

Labcorp Genetics (formerly Invitae), Labcorp
Classification: Pathogenic for Retinoblastoma. Last evaluated: 2026-01-06. Review status: criteria provided, single submitter. Criteria: Invitae Variant Classification Sherloc (09022015). Collection method: clinical testing. Allele origin: germline.
Comment: This sequence change creates a premature translational stop signal (p.Glu323*) in the RB1 gene. It is expected to result in an absent or disrupted protein product. Loss-of-function variants in RB1 are known to be pathogenic (PMID: 17096365). This variant is not present in population databases (gnomAD no frequency). This premature translational stop signal has been observed in individuals with retinoblastoma (PMID: 12541220, 24791139, 25754945, 26396485). Invitae Evidence Modeling of clinical and family history, age, sex, and reported ancestry of multiple individuals with this RB1 variant has been performed. This variant is expected to be pathogenic with a positive predictive value of at least 99%. This is a validated machine learning model that incorporates the clinical features of 413,071 individuals referred to our laboratory for RB1 testing. ClinVar contains an entry for this variant (Variation ID: 410924). RNA analysis provides insufficient evidence to determine the effect of this variant on RB1 splicing (internal data). For these reasons, this variant has been classified as Pathogenic.

Genetic Diagnostic Laboratory, University of Pennsylvania School of Medicine
Classification: Pathogenic for Retinoblastoma. Last evaluated: 2024-05-20. Review status: criteria provided, single submitter. Criteria: ACMG Guidelines, 2015. Collection method: clinical testing. Allele origin: germline. Affected: yes. Observed: 1 variant allele.
Comment: Case and Pedigree Information: BILATERAL CASES:1, UNILATERAL CASES:0, TOTAL CASES:1, PEDIGREES:1. ACMG Codes Applied:PVS1, PM2

Literature cited by the submitters: PubMed 17096365 (cited by Labcorp Genetics (formerly Invitae), Labcorp); PubMed 12541220 (cited by Labcorp Genetics (formerly Invitae), Labcorp); PubMed 24791139 (cited by Labcorp Genetics (formerly Invitae), Labcorp); PubMed 25754945 (cited by Labcorp Genetics (formerly Invitae), Labcorp); PubMed 26396485 (cited by Labcorp Genetics (formerly Invitae), Labcorp).

NM_000321.3(RB1):c.967G>T (p.Glu323Ter)

Gene: RB1 (RB transcriptional corepressor 1; plus strand). Cytogenetic location: 13q14.2.
Variant type: single nucleotide variant.
Coding change: c.967G>T on transcript NM_000321.3 (MANE Select); coding-DNA position 967, G replaced by T.
Protein change: p.Glu323Ter; replaces glutamic acid 323 with a stop codon.
Molecular consequence: nonsense.
Genome position (GRCh38, 1-based): chr13:48,367,521, G>T. VCF-style: chr13-48367521-G-T. GRCh37 (hg19) VCF-style: chr13-48941657-G-T.
Other names: short protein forms E323*.
Identifiers: ClinVar variation 410924 (VCV000410924.9), dbSNP rs1060503077, ClinGen allele CA16614439.